The following is an entry in ClinVar:

ClinVar aggregate classification (germline): Benign. Review status: criteria provided, single submitter (1 of 4 stars). 2 submissions from 2 submitters: Benign (1). 1 of the submissions does not count toward it. Last evaluated 2026-02-03.

Conditions:
FOCAD-related disorder. Also called: FOCAD-related condition.

Allele frequency attached by ClinVar (database versions not stated): gnomAD 0.00112 and 0.00232; TOPMed 0.00198; gnomAD exomes 0.00261 and 0.00562; ExAC 0.00599; 1000 Genomes Project 30x 0.01077; 1000 Genomes Project 0.01178.
gnomAD v4.1: 4,182 of 1,611,462 alleles (0.26%); highest among the groups gnomAD compares: East Asian, 5.6%; 114 homozygotes.

Submissions (2):

Labcorp Genetics (formerly Invitae), Labcorp
Classification: Benign. Last evaluated: 2026-02-03. Review status: criteria provided, single submitter. Criteria: Invitae Variant Classification Sherloc (09022015). Collection method: clinical testing. Allele origin: germline.

PreventionGenetics, part of Exact Sciences
Classification: Benign for FOCAD-related condition. Last evaluated: 2019-09-17. Review status: no assertion criteria provided. Collection method: clinical testing. Allele origin: germline. Not counted in ClinVar's aggregate classification.
Comment: This variant is classified as benign based on ACMG/AMP sequence variant interpretation guidelines (Richards et al. 2015 PMID: 25741868, with internal and published modifications).

NM_001375567.1(FOCAD):c.1567A>G (p.Ile523Val)

Gene: FOCAD (focadhesin; plus strand). Cytogenetic location: 9p21.3.
Variant type: single nucleotide variant.
Coding change: c.1567A>G on transcript NM_001375567.1 (MANE Select); coding-DNA position 1567, A replaced by G.
Protein change: p.Ile523Val; replaces isoleucine 523 with valine.
Molecular consequence: missense variant.
Genome position (GRCh38, 1-based): chr9:20,820,330, A>G. VCF-style: chr9-20820330-A-G. GRCh37 (hg19) VCF-style: chr9-20820329-A-G.
Other names: c.1462A>G, p.Ile488Val (NM_001375568.1, NM_001375570.1); c.1567A>G, p.Ile523Val (NM_017794.5); short protein forms I523V, I488V.
Identifiers: ClinVar variation 717930 (VCV000717930.9), dbSNP rs17832431, ClinGen allele CA5006768.